The following is an entry in ClinVar:

ClinVar aggregate classification (germline): Uncertain significance. Review status: criteria provided, multiple submitters, no conflicts (2 of 4 stars). 2 submissions from 2 submitters: Uncertain significance (2). Last evaluated 2025-08-20.

Conditions:
Inborn genetic diseases. Identifiers: MedGen C0950123, MeSH D030342.

Allele frequency attached by ClinVar (database versions not stated): gnomAD 0.00001; gnomAD exomes 0.00003 and 0.00005; TOPMed 0.00003; ExAC 0.00007.
gnomAD v4.1: 16 of 1,612,892 alleles (0.00099%); highest among the groups gnomAD compares: Admixed American, 0.027%; no homozygotes.

Submissions (2):

Ambry Genetics
Classification: Uncertain significance for Inborn genetic diseases. Last evaluated: 2025-08-20. Review status: criteria provided, single submitter. Criteria: Ambry Variant Classification Scheme 2023. Collection method: clinical testing. Allele origin: germline.

Labcorp Genetics (formerly Invitae), Labcorp
Classification: Uncertain significance. Last evaluated: 2025-03-29. Review status: criteria provided, single submitter. Criteria: Invitae Variant Classification Sherloc (09022015). Collection method: clinical testing. Allele origin: germline.
Comment: This sequence change replaces valine, which is neutral and non-polar, with methionine, which is neutral and non-polar, at codon 640 of the DDX58 protein (p.Val640Met). This variant is present in population databases (rs748863702, gnomAD 0.04%), and has an allele count higher than expected for a pathogenic variant. This variant has not been reported in the literature in individuals affected with DDX58-related conditions. ClinVar contains an entry for this variant (Variation ID: 1524509). Invitae Evidence Modeling of protein sequence and biophysical properties (such as structural, functional, and spatial information, amino acid conservation, physicochemical variation, residue mobility, and thermodynamic stability) indicates that this missense variant is expected to disrupt DDX58 protein function with a positive predictive value of 80%. In summary, the available evidence is currently insufficient to determine the role of this variant in disease. Therefore, it has been classified as a Variant of Uncertain Significance.

NM_014314.4(RIGI):c.1918G>A (p.Val640Met)

Gene: RIGI (RNA sensor RIG-I; minus strand). Cytogenetic location: 9p21.1.
Variant type: single nucleotide variant.
Coding change: c.1918G>A on transcript NM_014314.4 (MANE Select); coding-DNA position 1918, G replaced by A.
Protein change: p.Val640Met; replaces valine 640 with methionine.
Molecular consequence: missense variant.
Genome position (GRCh38, 1-based): chr9:32,476,988, C>T on the plus strand (G>A on the coding strand, the complement: RIGI is on the minus strand). VCF-style: chr9-32476988-C-T. GRCh37 (hg19) VCF-style: chr9-32476986-C-T.
Other names: c.1912G>A, p.Val638Met (NM_001385907.1); c.1918G>A, p.Val640Met (NM_001385909.1); c.1477G>A, p.Val493Met (NM_001385910.1); c.1309G>A, p.Val437Met (NM_001385912.1); c.1903G>A, p.Val635Met (NM_001385913.1); c.1474G>A, p.Val492Met (NM_001385914.1); c.1918G>A (NM_014314.3); short protein forms V437M, V493M, V638M, V492M, V640M, V635M.
Identifiers: ClinVar variation 1524509 (VCV001524509.9), dbSNP rs748863702, ClinGen allele CA5019645.